The following is an entry in ClinVar:

ClinVar aggregate classification (germline): Uncertain significance. Review status: criteria provided, multiple submitters, no conflicts (2 of 4 stars). 4 submissions from 4 submitters: Uncertain significance (3). 1 of the submissions does not count toward it. Last evaluated 2025-04-30.

Conditions:
Cardiovascular phenotype. Identifiers: MedGen CN230736.
ALMS1-related disorder. Also called: ALMS1-related condition.

Allele frequency attached by ClinVar (database versions not stated): gnomAD exomes below 0.00001.
gnomAD v4.1: 3 of 872,336 alleles (0.00034%); highest among the groups gnomAD compares: African/African-American, 0.0052%; no homozygotes.

Submissions (4):

GeneDx
Classification: Uncertain significance. Last evaluated: 2025-04-30. Review status: criteria provided, single submitter. Criteria: GeneDx Variant Classification Process June 2021. Collection method: clinical testing. Allele origin: germline. Affected: yes.
Comment: Not observed at significant frequency in large population cohorts (gnomAD); In silico analysis supports that this missense variant has a deleterious effect on protein structure/function

Ambry Genetics
Classification: Uncertain significance for Cardiovascular phenotype. Last evaluated: 2023-11-13. Review status: criteria provided, single submitter. Criteria: Ambry Variant Classification Scheme 2023. Collection method: clinical testing. Allele origin: germline.
Comment: The p.P9L variant (also known as c.26C>T), located in coding exon 1 of the ALMS1 gene, results from a C to T substitution at nucleotide position 26. The proline at codon 9 is replaced by leucine, an amino acid with similar properties. This amino acid position is highly conserved in available vertebrate species. In addition, the in silico prediction for this alteration is inconclusive. Since supporting evidence is limited at this time, the clinical significance of this alteration remains unclear.

Blueprint Genetics
Classification: Uncertain significance. Last evaluated: 2018-07-17. Review status: criteria provided, single submitter. Criteria: ACMG Guidelines, 2015. Collection method: clinical testing. Allele origin: germline.

PreventionGenetics, part of Exact Sciences
Classification: Uncertain significance for ALMS1-related condition. Last evaluated: 2024-05-31. Review status: no assertion criteria provided. Collection method: clinical testing. Allele origin: germline. Not counted in ClinVar's aggregate classification.
Comment: The ALMS1 c.26C>T variant is predicted to result in the amino acid substitution p.Pro9Leu. To our knowledge, this variant has not been reported in the literature or in a large population database, indicating this variant is rare. At this time, the clinical significance of this variant is uncertain due to the absence of conclusive functional and genetic evidence.

NM_001378454.1(ALMS1):c.26C>T (p.Pro9Leu)

Gene: ALMS1 (ALMS1 centrosome and basal body associated protein; plus strand). Cytogenetic location: 2p13.1.
Variant type: single nucleotide variant.
Coding change: c.26C>T on transcript NM_001378454.1 (MANE Select); coding-DNA position 26, C replaced by T.
Protein change: p.Pro9Leu; replaces proline 9 with leucine.
Molecular consequence: missense variant.
Genome position (GRCh38, 1-based): chr2:73,385,894, C>T. VCF-style: chr2-73385894-C-T. GRCh37 (hg19) VCF-style: chr2-73613022-C-T.
Other names: c.26C>T, p.Pro9Leu (NM_015120.4); short protein forms P9L.
Identifiers: ClinVar variation 3226603 (VCV003226603.4), dbSNP rs1297606865, ClinGen allele CA347250417.
Genomic context (GRCh38, chr2:73,385,894, plus strand): 5'-TCCTCCTCCTCTGCCGCCCAGAGCGAGACACCAACATGGAGCCCGAGGATCTGCCATGGC[C>T]GGGCGAGCTGGAGGAGGAGGAGGAGGAGGAGGAGGAGGAGGAGGAGGAAGAGGAGGAGGC-3'
Protein context (NP_001365383.1, residues 1-19): MEPEDLPW[Pro9Leu]GELEEEEEEE